The following is an entry in ClinVar:

ClinVar aggregate classification (germline): Uncertain significance (1 of 4 stars; one submission).

Conditions:
Hereditary cancer-predisposing syndrome. Also called: Hereditary Cancer Syndrome; Neoplastic Syndromes, Hereditary; Tumor predisposition; Hereditary neoplastic syndrome. Identifiers: Orphanet 140162, MedGen C0027672, MeSH D009386, MONDO:0015356.

Submission:

Ambry Genetics
Classification: Uncertain significance for Hereditary cancer-predisposing syndrome. Last evaluated: 2022-08-30. Review status: criteria provided, single submitter. Criteria: Ambry Variant Classification Scheme 2023. Collection method: clinical testing. Allele origin: germline.
Comment: The p.V180A variant (also known as c.539T>C), located in coding exon 3 of the TMEM127 gene, results from a T to C substitution at nucleotide position 539. The valine at codon 180 is replaced by alanine, an amino acid with similar properties. This amino acid position is conserved. In addition, this alteration is predicted to be deleterious by in silico analysis. Since supporting evidence is limited at this time, the clinical significance of this alteration remains unclear.

NM_017849.4(TMEM127):c.539T>C (p.Val180Ala)

Gene: TMEM127 (transmembrane protein 127; minus strand). Cytogenetic location: 2q11.2.
Variant type: single nucleotide variant.
Coding change: c.539T>C on transcript NM_017849.4 (MANE Select); coding-DNA position 539, T replaced by C.
Protein change: p.Val180Ala; replaces valine 180 with alanine.
Molecular consequence: missense variant.
Genome position (GRCh38, 1-based): chr2:96,253,986, A>G on the plus strand (T>C on the coding strand, the complement: TMEM127 is on the minus strand). VCF-style: chr2-96253986-A-G. GRCh37 (hg19) VCF-style: chr2-96919724-A-G.
Other names: c.539T>C, p.Val180Ala (NM_001193304.3); c.287T>C, p.Val96Ala (NM_001407282.1, NM_001407283.1); short protein forms V96A, V180A.
Identifiers: ClinVar variation 1747280 (VCV001747280.2), dbSNP rs2104284327, ClinGen allele CA347652454.